The following is an entry in ClinVar:

NM_001903.5(CTNNA1):c.637A>C (p.Ile213Leu)

Gene: CTNNA1 (catenin alpha 1; plus strand). Cytogenetic location: 5q31.2.
Variant type: single nucleotide variant.
Coding change: c.637A>C on transcript NM_001903.5 (MANE Select); coding-DNA position 637, A replaced by C.
Protein change: p.Ile213Leu; replaces isoleucine 213 with leucine.
Molecular consequence: missense variant.
Genome position (GRCh38, 1-based): chr5:138,824,578, A>C. VCF-style: chr5-138824578-A-C. GRCh37 (hg19) VCF-style: chr5-138160267-A-C.
Other names: c.637A>C, p.Ile213Leu (NM_001290307.3, NM_001323982.2, NM_001323983.1 and 3 more transcripts); c.328A>C, p.Ile110Leu (NM_001290309.3); c.268A>C, p.Ile90Leu (NM_001290310.3); c.637A>C (NM_001903.2); short protein forms I110L, I213L, I90L.
Identifiers: ClinVar variation 639014 (VCV000639014.9), dbSNP rs201391408, ClinGen allele CA361129535.
Genomic context (GRCh38, chr5:138,824,578, plus strand): 5'-TTACTCTTGTAGGAATTGAAAGATGTTGGCCATCGTGATCAGATGGCTGCAGCTAGAGGA[A>C]TCCTGCAGAAGAACGTTCCGATCCTCTATACTGCATCCCAGGCATGCCTACAGCACCCTG-3'
Protein context (NP_001894.2, residues 203-223): HRDQMAAARG[Ile213Leu]LQKNVPILYT

ClinVar aggregate classification (germline): Uncertain significance. Review status: criteria provided, multiple submitters, no conflicts (2 of 4 stars). 2 submissions from 2 submitters: Uncertain significance (2). Last evaluated 2024-09-18.

Conditions:
Hereditary cancer-predisposing syndrome. Also called: Neoplastic Syndromes, Hereditary; Tumor predisposition; Hereditary Cancer Syndrome; Hereditary neoplastic syndrome. Identifiers: Orphanet 140162, MedGen C0027672, MeSH D009386, MONDO:0015356.

Submissions (2):

Ambry Genetics
Classification: Uncertain significance for Hereditary cancer-predisposing syndrome. Last evaluated: 2024-09-18. Review status: criteria provided, single submitter. Criteria: Ambry Variant Classification Scheme 2023. Collection method: clinical testing. Allele origin: germline.
Comment: The p.I213L variant (also known as c.637A>C), located in coding exon 5 of the CTNNA1 gene, results from an A to C substitution at nucleotide position 637. The isoleucine at codon 213 is replaced by leucine, an amino acid with highly similar properties. This amino acid position is well conserved in available vertebrate species. In addition, this alteration is predicted to be tolerated by in silico analysis. The evidence for this gene-disease relationship is limited; therefore, the clinical significance of this alteration is unclear.

Labcorp Genetics (formerly Invitae), Labcorp
Classification: Uncertain significance. Last evaluated: 2018-12-26. Review status: criteria provided, single submitter. Criteria: Invitae Variant Classification Sherloc (09022015). Collection method: clinical testing. Allele origin: germline.
Comment: This sequence change replaces isoleucine with leucine at codon 213 of the CTNNA1 protein (p.Ile213Leu). The isoleucine residue is moderately conserved and there is a small physicochemical difference between isoleucine and leucine. This variant is not present in population databases (ExAC no frequency). This variant has not been reported in the literature in individuals with CTNNA1-related disease. Algorithms developed to predict the effect of missense changes on protein structure and function do not agree on the potential impact of this missense change (SIFT: "Deleterious"; PolyPhen-2: "Benign"; Align-GVGD: "Class C0"). In summary, the available evidence is currently insufficient to determine the role of this variant in disease. Therefore, it has been classified as a Variant of Uncertain Significance.